The following is an entry in ClinVar:

NM_014753.4(BMS1):c.3457-14_3457-11del

Gene: BMS1 (BMS1 ribosome biogenesis factor; plus strand). Cytogenetic location: 10q11.21.
Variant type: Deletion.
Coding change: c.3457-14_3457-11del on transcript NM_014753.4 (MANE Select); 14 bases into the intron before coding-DNA position 3457 through 11 bases into the intron before coding-DNA position 3457, 4 bases deleted (GTTT; older notation c.3457-14_3457-11delGTTT).
Molecular consequence: intron variant.
Genome position (GRCh38, 1-based): chr10:42,830,247-42,830,250, GTTT deleted; deleting any 4 consecutive bases within chr10:42,830,244-42,830,250 gives the same sequence; the c. name uses the placement nearest the transcript's 3' end. VCF-style (leftmost placement, unchanged base first): chr10-42830243-CTTTG-C. GRCh37 (hg19) VCF-style: chr10-43325691-CTTTG-C.
Identifiers: ClinVar variation 3051067 (VCV003051067.2), dbSNP rs372559744, ClinGen allele CA5476364.
Genomic context (GRCh38, chr10:42,830,243, plus strand): 5'-GAGAAGATTTTATGCAGAAGTTTTAAATGCACATTGATCATAATTTGAATATGTCACAGT[CTTTG>C]TTTTTCTTTTCAGCCAATCCTGAGGCAAAAGAAACATTTTAATTCACTGCACATTCCAAA-3'

ClinVar aggregate classification (germline): Likely benign (0 of 4 stars; one submission).

Conditions:
BMS1-related disorder. Also called: BMS1-related condition.

Submission:

PreventionGenetics, part of Exact Sciences
Classification: Likely benign for BMS1-related condition. Last evaluated: 2020-08-10. Review status: no assertion criteria provided. Collection method: clinical testing. Allele origin: germline.
Comment: This variant is classified as likely benign based on ACMG/AMP sequence variant interpretation guidelines (Richards et al. 2015 PMID: 25741868, with internal and published modifications).